The following is an entry in ClinVar:

NM_004656.4(BAP1):c.1571C>A (p.Thr524Asn)

Gene: BAP1 (BRCA1 associated deubiquitinase 1; minus strand). Cytogenetic location: 3p21.1.
Variant type: single nucleotide variant.
Coding change: c.1571C>A on transcript NM_004656.4 (MANE Select); coding-DNA position 1571, C replaced by A.
Protein change: p.Thr524Asn; replaces threonine 524 with asparagine.
Molecular consequence: missense variant.
Genome position (GRCh38, 1-based): chr3:52,403,574, G>T on the plus strand (C>A on the coding strand, the complement: BAP1 is on the minus strand). VCF-style: chr3-52403574-G-T. GRCh37 (hg19) VCF-style: chr3-52437590-G-T.
Other names: c.1571C>A (NM_004656.2); short protein forms T524N.
Identifiers: ClinVar variation 628665 (VCV000628665.7), dbSNP rs1559586598, ClinGen allele CA353100628.

ClinVar aggregate classification (germline): Uncertain significance. Review status: criteria provided, multiple submitters, no conflicts (2 of 4 stars). 3 submissions from 3 submitters: Uncertain significance (3). Last evaluated 2024-08-14.

Conditions:
Hereditary cancer-predisposing syndrome. Also called: Neoplastic Syndromes, Hereditary; Tumor predisposition; Hereditary neoplastic syndrome; Hereditary Cancer Syndrome. Identifiers: Orphanet 140162, MedGen C0027672, MeSH D009386, MONDO:0015356.
BAP1-related tumor predisposition syndrome (TPDS1). Also called: Tumor susceptibility linked to germline BAP1 mutations; BAP1 tumor predisposition syndrome; TUMOR PREDISPOSITION SYNDROME 1; COMMON Syndrome. Identifiers: Orphanet 289539, MedGen C3280492, MONDO:0013692, OMIM 614327.

Submissions (3):

Ambry Genetics
Classification: Uncertain significance for Hereditary cancer-predisposing syndrome. Last evaluated: 2024-08-14. Review status: criteria provided, single submitter. Criteria: Ambry Variant Classification Scheme 2023. Collection method: clinical testing. Allele origin: germline.
Comment: The p.T524N variant (also known as c.1571C>A), located in coding exon 13 of the BAP1 gene, results from a C to A substitution at nucleotide position 1571. The threonine at codon 524 is replaced by asparagine, an amino acid with similar properties. This amino acid position is conserved. In addition, this alteration is predicted to be tolerated by in silico analysis. Based on the available evidence, the clinical significance of this variant remains unclear.

Color Diagnostics, LLC DBA Color Health
Classification: Uncertain significance for Hereditary cancer-predisposing syndrome. Last evaluated: 2023-12-05. Review status: criteria provided, single submitter. Criteria: ACMG Guidelines, 2015. Collection method: clinical testing. Allele origin: germline.
Comment: This missense variant replaces threonine with asparagine at codon 524 of the BAP1 protein. Computational prediction suggests that this variant may not impact protein structure and function (internally defined REVEL score threshold <= 0.5, PMID: 27666373). To our knowledge, functional studies have not been reported for this variant. This variant has not been reported in individuals affected with BAP1-related disorders in the literature. This variant has not been identified in the general population by the Genome Aggregation Database (gnomAD). The available evidence is insufficient to determine the role of this variant in disease conclusively. Therefore, this variant is classified as a Variant of Uncertain Significance.

Baylor Genetics
Classification: Uncertain significance for BAP1-related tumor predisposition syndrome. Last evaluated: 2023-10-30. Review status: criteria provided, single submitter. Criteria: ACMG Guidelines, 2015. Collection method: clinical testing. Allele origin: unknown.